The following is an entry in ClinVar:

NM_020638.3(FGF23):c.336C>G (p.Asn112Lys)

Gene: FGF23 (fibroblast growth factor 23; minus strand). Cytogenetic location: 12p13.32.
Variant type: single nucleotide variant.
Coding change: c.336C>G on transcript NM_020638.3 (MANE Select); coding-DNA position 336, C replaced by G.
Protein change: p.Asn112Lys; replaces asparagine 112 with lysine.
Molecular consequence: missense variant.
Genome position (GRCh38, 1-based): chr12:4,370,763, G>C on the plus strand (C>G on the coding strand, the complement: FGF23 is on the minus strand). VCF-style: chr12-4370763-G-C. GRCh37 (hg19) VCF-style: chr12-4479929-G-C.
Other names: short protein forms N112K.
Identifiers: ClinVar variation 2903317 (VCV002903317.3), dbSNP rs141500587, ClinGen allele CA6395700.

ClinVar aggregate classification (germline): Uncertain significance (1 of 4 stars; one submission).

Allele frequency attached by ClinVar (database versions not stated): gnomAD exomes below 0.00001; ExAC 0.00002; gnomAD 0.00003; ESP Exome Variant Server 0.00008.

Submission:

Labcorp Genetics (formerly Invitae), Labcorp
Classification: Uncertain significance. Last evaluated: 2023-08-18. Review status: criteria provided, single submitter. Criteria: Invitae Variant Classification Sherloc (09022015). Collection method: clinical testing. Allele origin: germline.
Comment: In summary, the available evidence is currently insufficient to determine the role of this variant in disease. Therefore, it has been classified as a Variant of Uncertain Significance. This sequence change replaces asparagine, which is neutral and polar, with lysine, which is basic and polar, at codon 112 of the FGF23 protein (p.Asn112Lys). This variant is present in population databases (rs141500587, gnomAD 0.03%). This variant has not been reported in the literature in individuals affected with FGF23-related conditions. Advanced modeling of protein sequence and biophysical properties (such as structural, functional, and spatial information, amino acid conservation, physicochemical variation, residue mobility, and thermodynamic stability) has been performed at Invitae for this missense variant, however the output from this modeling did not meet the statistical confidence thresholds required to predict the impact of this variant on FGF23 protein function.